The following is an entry in ClinVar:

NC_000008.10:g.(?_68024187)_(68031076_?)del

Gene: CSPP1 (centrosome and spindle pole associated protein 1; plus strand). Cytogenetic location: 8q13.2.
Variant type: Deletion.
Identifiers: ClinVar variation 3245533 (VCV003245533.1).

ClinVar aggregate classification (germline): Pathogenic (1 of 4 stars; one submission).

Conditions:
Joubert syndrome 21 (JBTS21). Identifiers: MedGen C3810212, MONDO:0014288, OMIM 615636.

Submission:

Labcorp Genetics (formerly Invitae), Labcorp
Classification: Pathogenic for Joubert syndrome 21. Last evaluated: 2022-12-31. Review status: criteria provided, single submitter. Criteria: Invitae Variant Classification Sherloc (09022015). Collection method: clinical testing. Allele origin: unknown.
Comment: For these reasons, this variant has been classified as Pathogenic. This variant has not been reported in the literature in individuals affected with CSPP1-related conditions. This variant is a gross deletion of the genomic region encompassing exon(s) 9-13 of the CSPP1 gene. This deletion is out-of-frame, and is expected to create a premature termination codon and result in an absent or disrupted protein product. Loss-of-function variants in CSPP1 are known to be pathogenic (PMID: 24360807, 24360808).

Literature cited by the submitters: PubMed 24360807; PubMed 24360808.